The following is an entry in ClinVar:

NM_000501.4(ELN):c.1819G>A (p.Gly607Arg)

Gene: ELN (elastin; plus strand). Cytogenetic location: 7q11.23.
Variant type: single nucleotide variant.
Coding change: c.1819G>A on transcript NM_000501.4 (MANE Select); coding-DNA position 1819, G replaced by A.
Protein change: p.Gly607Arg; replaces glycine 607 with arginine.
Molecular consequence: missense variant.
Genome position (GRCh38, 1-based): chr7:74,063,185, G>A. VCF-style: chr7-74063185-G-A. GRCh37 (hg19) VCF-style: chr7-73477515-G-A.
Other names: c.1762G>A, p.Gly588Arg (NM_001081755.3); c.1819G>A, p.Gly607Arg (NM_001278912.2); c.1576G>A, p.Gly526Arg (NM_001278913.2); c.1747G>A, p.Gly583Arg (NM_001278914.2); c.1837G>A, p.Gly613Arg (NM_001278915.2); c.1675G>A, p.Gly559Arg (NM_001278916.2); c.1789G>A, p.Gly597Arg (NM_001278917.2); c.1552G>A, p.Gly518Arg (NM_001278918.2); and 4 more; short protein forms G518R, G526R, G559R, G578R, G583R, G588R, G593R, G597R.
Identifiers: ClinVar variation 1691674 (VCV001691674.4), dbSNP rs781963804, ClinGen allele CA4293241.

ClinVar aggregate classification (germline): Uncertain significance. Review status: criteria provided, multiple submitters, no conflicts (2 of 4 stars). 2 submissions from 2 submitters: Uncertain significance (2). Last evaluated 2026-01-25.

Conditions:
Supravalvar aortic stenosis (SVAS). Also called: Supravalvar aortic stenosis, Eisenberg type. Identifiers: Orphanet 3193, MedGen C0003499, MONDO:0008504, OMIM 185500, HP:0004381.

Submissions (2):

Labcorp Genetics (formerly Invitae), Labcorp
Classification: Uncertain significance for Supravalvar aortic stenosis. Last evaluated: 2026-01-25. Review status: criteria provided, single submitter. Criteria: Invitae Variant Classification Sherloc (09022015). Collection method: clinical testing. Allele origin: germline.
Comment: This sequence change replaces glycine, which is neutral and non-polar, with arginine, which is basic and polar, at codon 669 of the ELN protein (p.Gly669Arg). The frequency data for this variant in the population databases is considered unreliable, as metrics indicate poor data quality at this position in the gnomAD database. This variant has not been reported in the literature in individuals affected with ELN-related conditions. ClinVar contains an entry for this variant (Variation ID: 1691674). Invitae Evidence Modeling of protein sequence and biophysical properties (such as structural, functional, and spatial information, amino acid conservation, physicochemical variation, residue mobility, and thermodynamic stability) indicates that this missense variant is not expected to disrupt ELN protein function with a negative predictive value of 80%. In summary, the available evidence is currently insufficient to determine the role of this variant in disease. Therefore, it has been classified as a Variant of Uncertain Significance.

GeneDx
Classification: Uncertain significance. Last evaluated: 2022-05-31. Review status: criteria provided, single submitter. Criteria: GeneDx Variant Classification Process June 2021. Collection method: clinical testing. Allele origin: germline. Affected: yes.
Comment: Has not been previously published as pathogenic or benign to our knowledge; Not observed at significant frequency in large population cohorts (gnomAD); In silico analysis supports that this missense variant has a deleterious effect on protein structure/function